The following is an entry in ClinVar:

ClinVar aggregate classification (germline): Pathogenic (1 of 4 stars; one submission).

Conditions:
Joubert syndrome 23 (JBTS23). Identifiers: Orphanet 475, MedGen C4084822, MONDO:0014664, OMIM 616490.

Submission:

Victorian Clinical Genetics Services, Murdoch Childrens Research Institute
Classification: Pathogenic for Joubert syndrome 23. Last evaluated: 2015-08-28. Review status: criteria provided, single submitter. Criteria: ACMG Guidelines, 2015. Collection method: clinical testing. Allele origin: maternal. Inheritance: Autosomal recessive inheritance. Affected: yes. Observed: 2 variant alleles.
Comment: This heterozygous variant results in the insertion of a premature stop codon, NP_001231118.1(KIAA0586): p.(Gln317*).

Literature cited by the submitters: PubMed 26938784.

NM_001329943.3(KIAA0586):c.790C>T (p.Gln264Ter)

Gene: KIAA0586 (KIAA0586; plus strand). Cytogenetic location: 14q23.1.
Variant type: single nucleotide variant.
Coding change: c.790C>T on transcript NM_001329943.3 (MANE Select); coding-DNA position 790, C replaced by T.
Protein change: p.Gln264Ter; replaces glutamine 264 with a stop codon.
Molecular consequence: nonsense.
Genome position (GRCh38, 1-based): chr14:58,444,158, C>T. VCF-style: chr14-58444158-C-T. GRCh37 (hg19) VCF-style: chr14-58910876-C-T.
Other names: c.949C>T, p.Gln317Ter (NM_001244189.2); c.745C>T, p.Gln249Ter (NM_001244190.2); c.535C>T, p.Gln179Ter (NM_001244191.2, NM_001329945.2, NM_001364700.1 and 1 more transcripts); c.658C>T, p.Gln220Ter (NM_001244192.2); c.370C>T, p.Gln124Ter (NM_001244193.2); c.790C>T, p.Gln264Ter (NM_001329944.2, NM_001329946.2, NM_001329947.2 and 1 more transcripts); short protein forms Q264*, Q317*, Q179*, Q220*, Q249*, Q124*.
Identifiers: ClinVar variation 369671 (VCV000369671.3), dbSNP rs1057516038, ClinGen allele CA10654767.